The following is an entry in ClinVar:

NM_001191061.2(SLC25A22):c.321G>C (p.Met107Ile)

Gene: SLC25A22 (solute carrier family 25 member 22; minus strand). Cytogenetic location: 11p15.5.
Variant type: single nucleotide variant.
Coding change: c.321G>C on transcript NM_001191061.2 (MANE Select); coding-DNA position 321, G replaced by C.
Protein change: p.Met107Ile; replaces methionine 107 with isoleucine.
Molecular consequence: missense variant.
Genome position (GRCh38, 1-based): chr11:792,961, C>G on the plus strand (G>C on the coding strand, the complement: SLC25A22 is on the minus strand). VCF-style: chr11-792961-C-G. GRCh37 (hg19) VCF-style: chr11-792961-C-G.
Other names: c.321G>C, p.Met107Ile (NM_001191060.2, NM_024698.6); short protein forms M107I.
Identifiers: ClinVar variation 1947039 (VCV001947039.2), dbSNP rs1304488496, ClinGen allele CA378971208.

ClinVar aggregate classification (germline): Uncertain significance (1 of 4 stars; one submission).

Conditions:
Developmental and epileptic encephalopathy. Identifiers: MedGen C5779964, MONDO:0100620.

Allele frequency attached by ClinVar (database versions not stated): TOPMed below 0.00001; gnomAD 0.00001.

Submission:

Labcorp Genetics (formerly Invitae), Labcorp
Classification: Uncertain significance for Early-infantile DEE. Last evaluated: 2022-02-01. Review status: criteria provided, single submitter. Criteria: Invitae Variant Classification Sherloc (09022015). Collection method: clinical testing. Allele origin: germline.
Comment: This sequence change replaces methionine, which is neutral and non-polar, with isoleucine, which is neutral and non-polar, at codon 107 of the SLC25A22 protein (p.Met107Ile). This variant is present in population databases (no rsID available, gnomAD 0.007%). This variant has not been reported in the literature in individuals affected with SLC25A22-related conditions. Algorithms developed to predict the effect of missense changes on protein structure and function are either unavailable or do not agree on the potential impact of this missense change (SIFT: "Tolerated"; PolyPhen-2: "Probably Damaging"; Align-GVGD: "Class C0"). In summary, the available evidence is currently insufficient to determine the role of this variant in disease. Therefore, it has been classified as a Variant of Uncertain Significance.